The following is an entry in ClinVar:

NM_033087.4(ALG2):c.34G>C (p.Val12Leu)

Gene: ALG2 (ALG2 alpha-1,3/1,6-mannosyltransferase; minus strand). Cytogenetic location: 9q22.33.
Variant type: single nucleotide variant.
Coding change: c.34G>C on transcript NM_033087.4 (MANE Select); coding-DNA position 34, G replaced by C.
Protein change: p.Val12Leu; replaces valine 12 with leucine.
Molecular consequence: missense variant. On other transcripts: non-coding transcript variant (1).
Genome position (GRCh38, 1-based): chr9:99,221,861, C>G on the plus strand (G>C on the coding strand, the complement: ALG2 is on the minus strand). VCF-style: chr9-99221861-C-G. GRCh37 (hg19) VCF-style: chr9-101984143-C-G.
Other names: short protein forms V12L.
Identifiers: ClinVar variation 1896351 (VCV001896351.4), dbSNP rs772431589, ClinGen allele CA5156506.

ClinVar aggregate classification (germline): Uncertain significance (1 of 4 stars; one submission).

Conditions:
Congenital disorder of glycosylation, type Ii. Also called: CDG Ii; ALG2-congenital disorder of glycosylation; ALG2-CDG. Identifiers: Orphanet 79326, MedGen C1842836, MONDO:0011933, OMIM 607906.
Congenital myasthenic syndrome 14. Also called: Myasthenic syndrome, congenital, 14, with tubular aggregates. Identifiers: Orphanet 353327, Orphanet 590, MedGen C4015597, MONDO:0014543, OMIM 616228.

Allele frequency attached by ClinVar (database versions not stated): gnomAD exomes below 0.00001; ExAC 0.00001; gnomAD 0.00001; TOPMed 0.00001.
gnomAD v4.1: 2 of 1,592,338 alleles (0.00013%); highest among the groups gnomAD compares: African/African-American, 0.0013%; no homozygotes.

Submission:

Labcorp Genetics (formerly Invitae), Labcorp
Classification: Uncertain significance for Congenital disorder of glycosylation, type Ii; Congenital myasthenic syndrome 14. Last evaluated: 2022-08-16. Review status: criteria provided, single submitter. Criteria: Invitae Variant Classification Sherloc (09022015). Collection method: clinical testing. Allele origin: germline.
Comment: In summary, the available evidence is currently insufficient to determine the role of this variant in disease. Therefore, it has been classified as a Variant of Uncertain Significance. This sequence change replaces valine, which is neutral and non-polar, with leucine, which is neutral and non-polar, at codon 12 of the ALG2 protein (p.Val12Leu). This variant is not present in population databases (gnomAD no frequency). This variant has not been reported in the literature in individuals affected with ALG2-related conditions. Algorithms developed to predict the effect of missense changes on protein structure and function (SIFT, PolyPhen-2, Align-GVGD) all suggest that this variant is likely to be tolerated.